The following is an entry in ClinVar:

ClinVar aggregate classification (germline): Uncertain significance (1 of 4 stars; one submission).

Submission:

Labcorp Genetics (formerly Invitae), Labcorp
Classification: Uncertain significance. Last evaluated: 2022-08-16. Review status: criteria provided, single submitter. Criteria: Invitae Variant Classification Sherloc (09022015). Collection method: clinical testing. Allele origin: germline.
Comment: This sequence change replaces glutamic acid, which is acidic and polar, with aspartic acid, which is acidic and polar, at codon 2321 of the USH2A protein (p.Glu2321Asp). This variant is not present in population databases (gnomAD no frequency). This variant has not been reported in the literature in individuals affected with USH2A-related conditions. ClinVar contains an entry for this variant (Variation ID: 1047464). Algorithms developed to predict the effect of missense changes on protein structure and function (SIFT, PolyPhen-2, Align-GVGD) all suggest that this variant is likely to be tolerated. In summary, the available evidence is currently insufficient to determine the role of this variant in disease. Therefore, it has been classified as a Variant of Uncertain Significance.

NM_206933.4(USH2A):c.6963A>C (p.Glu2321Asp)

Gene: USH2A (usherin; minus strand). Cytogenetic location: 1q41.
Variant type: single nucleotide variant.
Coding change: c.6963A>C on transcript NM_206933.4 (MANE Select); coding-DNA position 6963, A replaced by C.
Protein change: p.Glu2321Asp; replaces glutamic acid 2321 with aspartic acid.
Molecular consequence: missense variant.
Genome position (GRCh38, 1-based): chr1:215,965,474, T>G on the plus strand (A>C on the coding strand, the complement: USH2A is on the minus strand). VCF-style: chr1-215965474-T-G. GRCh37 (hg19) VCF-style: chr1-216138816-T-G.
Other names: short protein forms E2321D.
Identifiers: ClinVar variation 1047464 (VCV001047464.4), dbSNP rs1667319307, ClinGen allele CA344852668.